The following is an entry in ClinVar:

ClinVar aggregate classification (germline): Uncertain significance. Review status: criteria provided, multiple submitters, no conflicts (2 of 4 stars). 2 submissions from 2 submitters: Uncertain significance (2). Last evaluated 2025-09-01.

Conditions:
Cardiomyopathy (CMYO). Also called: Cardiomyopathies. Identifiers: Orphanet 167848, MedGen C0878544, MONDO:0004994, HP:0001638. Inheritance: Various modes of inheritance.
Arrhythmogenic right ventricular dysplasia 11. Also called: ARRHYTHMOGENIC RIGHT VENTRICULAR DYSPLASIA, FAMILIAL, 11; Arrhythmogenic Right Ventricular Dysplasia/Cardiomyopathy11; Arrhythmogenic right ventricular dysplasia 11 with mild palmoplantar keratoderma and woolly hair. Identifiers: MedGen C1864850, MONDO:0012506, OMIM 610476.

Allele frequency attached by ClinVar (database versions not stated): TOPMed below 0.00001.

Submissions (2):

Color Diagnostics, LLC DBA Color Health
Classification: Uncertain significance for Cardiomyopathy. Last evaluated: 2025-09-01. Review status: criteria provided, single submitter. Criteria: ACMG Guidelines, 2015. Collection method: clinical testing. Allele origin: germline.
Comment: This missense variant replaces proline with alanine at codon 449 of the DSC2 protein. Computational prediction suggests that this variant may not impact protein structure and function. To our knowledge, functional studies have not been reported for this variant. This variant has not been reported in individuals affected with DSC2-related disorders in the literature. This variant has not been identified in the general population by the Genome Aggregation Database (gnomAD). The available evidence is insufficient to determine the role of this variant in disease conclusively. Therefore, this variant is classified as a Variant of Uncertain Significance.

Labcorp Genetics (formerly Invitae), Labcorp
Classification: Uncertain significance for Arrhythmogenic right ventricular dysplasia 11. Last evaluated: 2024-01-31. Review status: criteria provided, single submitter. Criteria: Invitae Variant Classification Sherloc (09022015). Collection method: clinical testing. Allele origin: germline.
Comment: This sequence change replaces proline, which is neutral and non-polar, with alanine, which is neutral and non-polar, at codon 449 of the DSC2 protein (p.Pro449Ala). This variant is not present in population databases (gnomAD no frequency). This variant has not been reported in the literature in individuals affected with DSC2-related conditions. Advanced modeling of protein sequence and biophysical properties (such as structural, functional, and spatial information, amino acid conservation, physicochemical variation, residue mobility, and thermodynamic stability) performed at Invitae indicates that this missense variant is not expected to disrupt DSC2 protein function with a negative predictive value of 80%. In summary, the available evidence is currently insufficient to determine the role of this variant in disease. Therefore, it has been classified as a Variant of Uncertain Significance.

NM_024422.6(DSC2):c.1345C>G (p.Pro449Ala)

Gene: DSC2 (desmocollin 2; minus strand). Cytogenetic location: 18q12.1.
Variant type: single nucleotide variant.
Coding change: c.1345C>G on transcript NM_024422.6 (MANE Select); coding-DNA position 1345, C replaced by G.
Protein change: p.Pro449Ala; replaces proline 449 with alanine.
Molecular consequence: missense variant.
Genome position (GRCh38, 1-based): chr18:31,080,271, G>C on the plus strand (C>G on the coding strand, the complement: DSC2 is on the minus strand). VCF-style: chr18-31080271-G-C. GRCh37 (hg19) VCF-style: chr18-28660237-G-C.
Other names: c.916C>G, p.Pro306Ala (NM_001406506.1, NM_001406507.1); c.1345C>G, p.Pro449Ala (NM_004949.5); short protein forms P449A, P306A.
Identifiers: ClinVar variation 2894548 (VCV002894548.4), dbSNP rs1416748437, ClinGen allele CA402108697.
Genomic context (GRCh38, chr18:31,080,271, plus strand): 5'-GGCCCTCATCCTGATCTTCTACATTAACAGTAACTGTTGCTGTGCTCATGGCTGATCTTG[G>C]ACTAGCCTCTCTGGAAAATGGAGCTTCATTAACTACACCAATTTGCAAGATCATCTGTTG-3'
Protein context (NP_077740.1, residues 439-459): NEAPFSREAS[Pro449Ala]RSAMSTATVT